The following is an entry in ClinVar:

ClinVar aggregate classification (germline): Conflicting classifications of pathogenicity. Review status: criteria provided, conflicting classifications (1 of 4 stars). 3 submissions from 3 submitters: Uncertain significance (1); Likely benign (2). Last evaluated 2025-12-09.

Allele frequency attached by ClinVar (database versions not stated): gnomAD 0.00005; gnomAD exomes 0.00005; TOPMed 0.00005; ExAC 0.00012.
gnomAD v4.1: 77 of 1,612,852 alleles (0.0048%); highest among the groups gnomAD compares: Non-Finnish European, 0.006%; no homozygotes.

Submissions (3):

Labcorp Genetics (formerly Invitae), Labcorp
Classification: Likely benign. Last evaluated: 2025-12-09. Review status: criteria provided, single submitter. Criteria: Invitae Variant Classification Sherloc (09022015). Collection method: clinical testing. Allele origin: germline.

Blueprint Genetics
Classification: Likely benign. Last evaluated: 2023-04-05. Review status: criteria provided, single submitter. Criteria: ACMG Guidelines, 2015. Collection method: clinical testing. Allele origin: germline.

GeneDx
Classification: Uncertain significance. Last evaluated: 2022-04-25. Review status: criteria provided, single submitter. Criteria: GeneDx Variant Classification Process June 2021. Collection method: clinical testing. Allele origin: germline. Affected: yes.
Comment: Not observed at significant frequency in large population cohorts (gnomAD); In silico analysis supports that this variant does not alter splicing; Has not been previously published as pathogenic or benign to our knowledge

NM_001098.3(ACO2):c.1020T>A (p.Ile340=)

Gene: ACO2 (aconitase 2; plus strand). Cytogenetic location: 22q13.2.
Variant type: single nucleotide variant.
Coding change: c.1020T>A on transcript NM_001098.3 (MANE Select); coding-DNA position 1020, T replaced by A.
Protein change: p.Ile340=; no amino-acid change (isoleucine 340 retained).
Molecular consequence: synonymous variant.
Genome position (GRCh38, 1-based): chr22:41,518,560, T>A. VCF-style: chr22-41518560-T-A. GRCh37 (hg19) VCF-style: chr22-41914564-T-A.
Identifiers: ClinVar variation 1712794 (VCV001712794.5), dbSNP rs779881455, ClinGen allele CA10257530.
Genomic context (GRCh38, chr22:41,518,560, plus strand): 5'-TGAATTCAAGGATCACTTGGTGCCTGACCCTGGCTGCCATTATGACCAACTAATTGAAAT[T>A]AACCTCAGTGAGGTGAGGAGACAATTAACTGGGTTCAAGAAGTTTCTGAGAGTAGTGGGG-3'
Protein context (NP_001089.1, residues 330-350): PGCHYDQLIE[Ile340=]NLSELKPHIN